The following is an entry in ClinVar:

ClinVar aggregate classification (germline): Benign/Likely benign. Review status: criteria provided, multiple submitters, no conflicts (2 of 4 stars). 2 submissions from 2 submitters: Benign (1); Likely benign (1). Last evaluated 2024-10-07.

Allele frequency attached by ClinVar (database versions not stated): TOPMed 0.00007; ESP Exome Variant Server 0.00015; 1000 Genomes Project 30x 0.00094; 1000 Genomes Project 0.00120; gnomAD 0.00181; ExAC 0.00206.
gnomAD v4.1: 1,534 of 1,606,916 alleles (0.095%); highest among the groups gnomAD compares: Non-Finnish European, 0.019%; 11 homozygotes.

Submissions (2):

Labcorp Genetics (formerly Invitae), Labcorp
Classification: Benign. Last evaluated: 2024-10-07. Review status: criteria provided, single submitter. Criteria: Invitae Variant Classification Sherloc (09022015). Collection method: clinical testing. Allele origin: germline.

CeGaT Center for Human Genetics Tuebingen
Classification: Likely benign. Last evaluated: 2024-08-01. Review status: criteria provided, single submitter. Criteria: CeGaT Center For Human Genetics Tuebingen Variant Classification Criteria Version 2. Collection method: clinical testing. Allele origin: germline. Affected: yes. Observed: 1 variant allele.
Comment: BRD4: BS1

NM_001379291.1(BRD4):c.3743C>T (p.Ala1248Val)

Gene: BRD4 (bromodomain containing 4; minus strand). Cytogenetic location: 19p13.12.
Variant type: single nucleotide variant.
Coding change: c.3743C>T on transcript NM_001379291.1 (MANE Select); coding-DNA position 3743, C replaced by T.
Protein change: p.Ala1248Val; replaces alanine 1248 with valine.
Molecular consequence: missense variant.
Genome position (GRCh38, 1-based): chr19:15,239,098, G>A on the plus strand (C>T on the coding strand, the complement: BRD4 is on the minus strand). VCF-style: chr19-15239098-G-A. GRCh37 (hg19) VCF-style: chr19-15349909-G-A.
Other names: c.3743C>T, p.Ala1248Val (NM_058243.3); short protein forms A1248V.
Identifiers: ClinVar variation 2155841 (VCV002155841.20), dbSNP rs141774763, ClinGen allele CA9264553.
Genomic context (GRCh38, chr19:15,239,098, plus strand): 5'-CCCACCCAGACACCCGCCCACCTCATGCGCTCCTGCCGCAGCCGCTCCTTCTCCTTCTCA[G>A]CGTGCTCGGCCTGAGCCTTCAGGGCCTTCTCACGCTCCTCTTTCTCCCGAGCGGCGCGGC-3'
Protein context (NP_001366220.1, residues 1238-1258): EKALKAQAEH[Ala1248Val]EKEKERLRQE